The following is an entry in ClinVar:

NM_000298.6(PKLR):c.993C>T (p.Asp331=)

Gene: PKLR (pyruvate kinase L/R; minus strand). Cytogenetic location: 1q22.
Variant type: single nucleotide variant.
Coding change: c.993C>T on transcript NM_000298.6 (MANE Select); coding-DNA position 993, C replaced by T.
Protein change: p.Asp331=; no amino-acid change (aspartic acid 331 retained).
Molecular consequence: synonymous variant.
Genome position (GRCh38, 1-based): chr1:155,294,358, G>A on the plus strand (C>T on the coding strand, the complement: PKLR is on the minus strand). VCF-style: chr1-155294358-G-A. GRCh37 (hg19) VCF-style: chr1-155264149-G-A.
Other names: p.Asp331=; c.900C>T, p.Asp300= (NM_181871.4).
Identifiers: ClinVar variation 724780 (VCV000724780.12), dbSNP rs138476691, ClinGen allele CA1144140.

ClinVar aggregate classification (germline): Likely benign. Review status: criteria provided, multiple submitters, no conflicts (2 of 4 stars). 5 submissions from 5 submitters: Likely benign (5). Last evaluated 2026-06-01.

Allele frequency attached by ClinVar (database versions not stated): TOPMed 0.00021; ESP Exome Variant Server 0.00054.
gnomAD v4.1: 534 of 1,613,960 alleles (0.033%); highest among the groups gnomAD compares: Middle Eastern, 0.066%; no homozygotes.

Submissions (5):

CeGaT Center for Human Genetics Tuebingen
Classification: Likely benign. Last evaluated: 2026-06-01. Review status: criteria provided, single submitter. Criteria: CeGaT Center For Human Genetics Tuebingen Variant Classification Criteria Version 2. Collection method: clinical testing. Allele origin: germline. Affected: yes. Observed: 1 variant allele.
Comment: PKLR: BP4, BP7

Labcorp Genetics (formerly Invitae), Labcorp
Classification: Likely benign. Last evaluated: 2025-12-17. Review status: criteria provided, single submitter. Criteria: Invitae Variant Classification Sherloc (09022015). Collection method: clinical testing. Allele origin: germline.

Mayo Clinic Laboratories, Mayo Clinic
Classification: Likely benign. Last evaluated: 2024-11-14. Review status: criteria provided, single submitter. Criteria: ACMG Guidelines, 2015. Collection method: clinical testing. Allele origin: germline. Observed: 4 variant alleles.
Comment: BP4, BP7

Blueprint Genetics
Classification: Likely benign. Last evaluated: 2024-11-07. Review status: criteria provided, single submitter. Criteria: ACMG Guidelines, 2015. Collection method: clinical testing. Allele origin: germline.

ARUP Laboratories, Molecular Genetics and Genomics, ARUP Laboratories
Classification: Likely benign. Last evaluated: 2024-05-02. Review status: criteria provided, single submitter. Criteria: ARUP Molecular Germline Variant Investigation Process 2024. Collection method: clinical testing. Allele origin: germline.